The following is an entry in ClinVar:

ClinVar aggregate classification (germline): Uncertain significance. Review status: criteria provided, multiple submitters, no conflicts (2 of 4 stars). 3 submissions from 3 submitters: Uncertain significance (3). Last evaluated 2025-08-29.

Conditions:
Hereditary cancer-predisposing syndrome. Also called: Tumor predisposition; Neoplastic Syndromes, Hereditary; Hereditary neoplastic syndrome; Hereditary Cancer Syndrome. Identifiers: Orphanet 140162, MedGen C0027672, MeSH D009386, MONDO:0015356.
Hereditary breast ovarian cancer syndrome. Also called: BRCA1- and BRCA2-Associated Hereditary Breast and Ovarian Cancer; Hereditary breast and/or ovarian cancer syndrome; Hereditary breast and ovarian cancer syndrome; Hereditary breast and ovarian cancer; Hereditary breast and ovarian cancer syndrome (HBOC); Breast and ovarian cancer. Identifiers: Orphanet 145, MedGen C0677776, MeSH D061325, MONDO:0003582. Disease mechanism: loss of function.

Submissions (3):

Quest Diagnostics Nichols Institute San Juan Capistrano
Classification: Uncertain significance. Last evaluated: 2025-08-29. Review status: criteria provided, single submitter. Criteria: Quest Diagnostics criteria. Collection method: clinical testing. Allele origin: unknown.
Comment: The BRCA2 c.7279A>G (p.Asn2427Asp) variant has not been reported in individuals with BRCA2-related conditions in the published literature. This variant has not been reported in large, multi-ethnic general populations (Genome Aggregation Database). Analysis of this variant using bioinformatics tools for the prediction of the effect of amino acid changes on protein structure and function yielded predictions that this variant is benign. Based on the available information, we are unable to determine the clinical significance of this variant.

Ambry Genetics
Classification: Uncertain significance for Hereditary cancer-predisposing syndrome. Last evaluated: 2025-05-29. Review status: criteria provided, single submitter. Criteria: Ambry Variant Classification Scheme 2023. Collection method: clinical testing. Allele origin: germline.
Comment: The p.N2427D variant (also known as c.7279A>G), located in coding exon 13 of the BRCA2 gene, results from an A to G substitution at nucleotide position 7279. The asparagine at codon 2427 is replaced by aspartic acid, an amino acid with highly similar properties. This amino acid position is not well conserved in available vertebrate species. In addition, this alteration is predicted to be tolerated by in silico analysis. Since supporting evidence is limited at this time, the clinical significance of this alteration remains unclear.

Labcorp Genetics (formerly Invitae), Labcorp
Classification: Uncertain significance for Hereditary breast ovarian cancer syndrome. Last evaluated: 2023-07-24. Review status: criteria provided, single submitter. Criteria: Invitae Variant Classification Sherloc (09022015). Collection method: clinical testing. Allele origin: germline.
Comment: This variant has not been reported in the literature in individuals affected with BRCA2-related conditions. ClinVar contains an entry for this variant (Variation ID: 1018975). Advanced modeling of protein sequence and biophysical properties (such as structural, functional, and spatial information, amino acid conservation, physicochemical variation, residue mobility, and thermodynamic stability) performed at Invitae indicates that this missense variant is not expected to disrupt BRCA2 protein function. In summary, the available evidence is currently insufficient to determine the role of this variant in disease. Therefore, it has been classified as a Variant of Uncertain Significance. This variant is not present in population databases (gnomAD no frequency). This sequence change replaces asparagine, which is neutral and polar, with aspartic acid, which is acidic and polar, at codon 2427 of the BRCA2 protein (p.Asn2427Asp).

NM_000059.4(BRCA2):c.7279A>G (p.Asn2427Asp)

Gene: BRCA2 (BRCA2 DNA repair associated; plus strand). Cytogenetic location: 13q13.1.
Variant type: single nucleotide variant.
Coding change: c.7279A>G on transcript NM_000059.4 (MANE Select); coding-DNA position 7279, A replaced by G.
Protein change: p.Asn2427Asp; replaces asparagine 2427 with aspartic acid.
Molecular consequence: missense variant.
Genome position (GRCh38, 1-based): chr13:32,355,132, A>G. VCF-style: chr13-32355132-A-G. GRCh37 (hg19) VCF-style: chr13-32929269-A-G.
Other names: short protein forms N2427D.
Identifiers: ClinVar variation 1018975 (VCV001018975.13), dbSNP rs2072681789, ClinGen allele CA387740691.
Genomic context (GRCh38, chr13:32,355,132, plus strand): 5'-GTTCCACCTTTTAAAACTAAATCACATTTTCACAGAGTTGAACAGTGTGTTAGGAATATT[A>G]ACTTGGAGGAAAACAGACAAAAGCAAAACATTGATGGACATGGCTCTGATGATAGTAAAA-3'
Protein context (NP_000050.3, residues 2417-2437): HRVEQCVRNI[Asn2427Asp]LEENRQKQNI